The following is an entry in ClinVar:

ClinVar aggregate classification (germline): Uncertain significance (1 of 4 stars; one submission).

Submission:

Labcorp Genetics (formerly Invitae), Labcorp
Classification: Uncertain significance. Last evaluated: 2022-03-14. Review status: criteria provided, single submitter. Criteria: Invitae Variant Classification Sherloc (09022015). Collection method: clinical testing. Allele origin: germline.
Comment: In summary, the available evidence is currently insufficient to determine the role of this variant in disease. Therefore, it has been classified as a Variant of Uncertain Significance. Algorithms developed to predict the effect of sequence changes on RNA splicing suggest that this variant may create or strengthen a splice site. Algorithms developed to predict the effect of missense changes on protein structure and function output the following: SIFT: "Not Available"; PolyPhen-2: "Benign"; Align-GVGD: "Not Available". The leucine amino acid residue is found in multiple mammalian species, which suggests that this missense change does not adversely affect protein function. This variant has not been reported in the literature in individuals affected with CFD-related conditions. This variant is not present in population databases (gnomAD no frequency). This sequence change replaces tryptophan, which is neutral and slightly polar, with leucine, which is neutral and non-polar, at codon 135 of the CFD protein (p.Trp135Leu).

NM_001928.4(CFD):c.404G>T (p.Trp135Leu)

Gene: CFD (complement factor D; plus strand). Cytogenetic location: 19p13.3.
Variant type: single nucleotide variant.
Coding change: c.404G>T on transcript NM_001928.4 (MANE Select); coding-DNA position 404, G replaced by T.
Protein change: p.Trp135Leu; replaces tryptophan 135 with leucine.
Molecular consequence: missense variant.
Genome position (GRCh38, 1-based): chr19:861,745, G>T. VCF-style: chr19-861745-G-T. GRCh37 (hg19) VCF-style: chr19-861745-G-T.
Other names: c.425G>T, p.Trp142Leu (NM_001317335.2); short protein forms W135L, W142L.
Identifiers: ClinVar variation 2112208 (VCV002112208.4), dbSNP rs1599301690, ClinGen allele CA402922490.